The following is an entry in ClinVar:

NM_000939.4(POMC):c.745C>T (p.Pro249Ser)

Gene: POMC (proopiomelanocortin; minus strand). Cytogenetic location: 2p23.3.
Variant type: single nucleotide variant.
Coding change: c.745C>T on transcript NM_000939.4 (MANE Select); coding-DNA position 745, C replaced by T.
Protein change: p.Pro249Ser; replaces proline 249 with serine.
Molecular consequence: missense variant.
Genome position (GRCh38, 1-based): chr2:25,161,140, G>A on the plus strand (C>T on the coding strand, the complement: POMC is on the minus strand). VCF-style: chr2-25161140-G-A. GRCh37 (hg19) VCF-style: chr2-25384009-G-A.
Other names: c.745C>T, p.Pro249Ser (NM_001035256.3, NM_001319204.2, NM_001319205.2); c.745C>T (NM_000939.3); short protein forms P249S.
Identifiers: ClinVar variation 2059980 (VCV002059980.4), dbSNP rs761359264, ClinGen allele CA1555223.

ClinVar aggregate classification (germline): Uncertain significance. Review status: criteria provided, multiple submitters, no conflicts (2 of 4 stars). 2 submissions from 2 submitters: Uncertain significance (2). Last evaluated 2026-05-21.

Conditions:
POMC-related disorder. Also called: POMC-related condition; POMC-related disorders.

Allele frequency attached by ClinVar (database versions not stated): gnomAD 0.00001; TOPMed 0.00004; gnomAD exomes 0.00008; ExAC 0.00015.
gnomAD v4.1: 46 of 1,613,860 alleles (0.0029%); highest among the groups gnomAD compares: Admixed American, 0.077%; no homozygotes.

Submissions (2):

PreventionGenetics, part of Exact Sciences
Classification: Uncertain significance for POMC-related condition. Last evaluated: 2026-05-21. Review status: criteria provided, single submitter. Criteria: ACMG Guidelines, 2015. Collection method: clinical testing. Allele origin: germline.
Comment: The POMC c.745C>T variant is predicted to result in the amino acid substitution p.Pro249Ser. This variant is located at the end of the terminal exon. This variant was observed in a cohort of individuals with obesity, and in vitro functional studies showed function similar to wild-type levels (Supplemental Data Set, Shah et al. 2023. PubMed ID: 36864747). This variant is reported in 0.12% of alleles in individuals of Latino descent in gnomAD, which may be too common to be a primary cause of disease. Although we suspect that this variant may be benign, at this time, the clinical significance of this variant is uncertain due to the absence of conclusive functional and genetic evidence.

Labcorp Genetics (formerly Invitae), Labcorp
Classification: Uncertain significance. Last evaluated: 2022-12-24. Review status: criteria provided, single submitter. Criteria: Invitae Variant Classification Sherloc (09022015). Collection method: clinical testing. Allele origin: germline.
Comment: In summary, the available evidence is currently insufficient to determine the role of this variant in disease. Therefore, it has been classified as a Variant of Uncertain Significance. Advanced modeling of protein sequence and biophysical properties (such as structural, functional, and spatial information, amino acid conservation, physicochemical variation, residue mobility, and thermodynamic stability) performed at Invitae indicates that this missense variant is expected to disrupt POMC protein function. This variant has not been reported in the literature in individuals affected with POMC-related conditions. This variant is present in population databases (rs761359264, gnomAD 0.1%). This sequence change replaces proline, which is neutral and non-polar, with serine, which is neutral and polar, at codon 249 of the POMC protein (p.Pro249Ser).